The following is an entry in ClinVar:

ClinVar aggregate classification (germline): Likely benign (1 of 4 stars; one submission).

Allele frequency attached by ClinVar (database versions not stated): gnomAD exomes below 0.00001; TOPMed below 0.00001; ExAC 0.00001; gnomAD 0.00001; 1000 Genomes Project 0.00020; 1000 Genomes Project 30x 0.00031.
gnomAD v4.1: 3 of 1,614,188 alleles (0.00019%); highest among the groups gnomAD compares: East Asian, 0.0067%; no homozygotes.

Submission:

CeGaT Center for Human Genetics Tuebingen
Classification: Likely benign. Last evaluated: 2023-09-01. Review status: criteria provided, single submitter. Criteria: CeGaT Center For Human Genetics Tuebingen Variant Classification Criteria Version 2. Collection method: clinical testing. Allele origin: germline. Affected: yes. Observed: 1 variant allele.
Comment: HYDIN: BP4

NM_001270974.2(HYDIN):c.6885G>C (p.Glu2295Asp)

Gene: HYDIN (HYDIN axonemal central pair apparatus protein; minus strand). Cytogenetic location: 16q22.2.
Variant type: single nucleotide variant.
Coding change: c.6885G>C on transcript NM_001270974.2 (MANE Select); coding-DNA position 6885, G replaced by C.
Protein change: p.Glu2295Asp; replaces glutamic acid 2295 with aspartic acid.
Molecular consequence: missense variant.
Genome position (GRCh38, 1-based): chr16:70,938,724, C>G on the plus strand (G>C on the coding strand, the complement: HYDIN is on the minus strand). VCF-style: chr16-70938724-C-G. GRCh37 (hg19) VCF-style: chr16-70972627-C-G.
Other names: short protein forms E2295D.
Identifiers: ClinVar variation 2646750 (VCV002646750.24), dbSNP rs550750336, ClinGen allele CA8150103.